The following is an entry in ClinVar:

ClinVar aggregate classification (germline): Uncertain significance (1 of 4 stars; one submission).

gnomAD v4.1: 2 of 1,614,020 alleles (0.00012%); highest among the groups gnomAD compares: Non-Finnish European, 0.000085%; no homozygotes.

Submission:

Labcorp Genetics (formerly Invitae), Labcorp
Classification: Uncertain significance. Last evaluated: 2025-09-29. Review status: criteria provided, single submitter. Criteria: Invitae Variant Classification Sherloc (09022015). Collection method: clinical testing. Allele origin: germline.
Comment: This sequence change replaces isoleucine, which is neutral and non-polar, with threonine, which is neutral and polar, at codon 224 of the ATPAF2 protein (p.Ile224Thr). This variant is not present in population databases (gnomAD no frequency). This variant has not been reported in the literature in individuals affected with ATPAF2-related conditions. Invitae Evidence Modeling of protein sequence and biophysical properties (such as structural, functional, and spatial information, amino acid conservation, physicochemical variation, residue mobility, and thermodynamic stability) indicates that this missense variant is not expected to disrupt ATPAF2 protein function with a negative predictive value of 80%. In summary, the available evidence is currently insufficient to determine the role of this variant in disease. Therefore, it has been classified as a Variant of Uncertain Significance.

NM_145691.4(ATPAF2):c.671T>C (p.Ile224Thr)

Gene: ATPAF2 (ATP synthase mitochondrial F1 complex assembly factor 2; minus strand). Cytogenetic location: 17p11.2.
Variant type: single nucleotide variant.
Coding change: c.671T>C on transcript NM_145691.4 (MANE Select); coding-DNA position 671, T replaced by C.
Protein change: p.Ile224Thr; replaces isoleucine 224 with threonine.
Molecular consequence: missense variant.
Genome position (GRCh38, 1-based): chr17:18,021,184, A>G on the plus strand (T>C on the coding strand, the complement: ATPAF2 is on the minus strand). VCF-style: chr17-18021184-A-G. GRCh37 (hg19) VCF-style: chr17-17924498-A-G.
Other names: short protein forms I224T.
Identifiers: ClinVar variation 4700176 (VCV004700176.1).
Genomic context (GRCh38, chr17:18,021,184, plus strand): 5'-TGGTACTCCTCCTCCAGGCGTGACAGCAGCACGGCCTGCTCCACTGTCAGGCGCAGGTCA[A>G]TCAGGCCCAAGGTTAGCACCATGGACTTGAGCTGGGCAGCTACAAACTCAATCCCTGCAG-3'
Protein context (NP_663729.1, residues 214-234): LKSMVLTLGL[Ile224Thr]DLRLTVEQAV